The following is an entry in ClinVar:

ClinVar aggregate classification (germline): Uncertain significance (1 of 4 stars; one submission).

Conditions:
Hypogonadotropic hypogonadism 2 with or without anosmia (HH2). Also called: HYPOGONADOTROPIC HYPOGONADISM 2 WITH OR WITHOUT ANOSMIA, SUSCEPTIBILITY TO; HYPOGONADOTROPIC HYPOGONADISM 2 WITHOUT ANOSMIA, SUSCEPTIBILITY TO; FGFR1-Related GnRH Deficiency (Kallmann Syndrome 2); HYPOGONADOTROPIC HYPOGONADISM 2 WITHOUT ANOSMIA. Identifiers: Orphanet 478, MedGen C1563720, MONDO:0007844, OMIM 147950. Disease mechanism: loss of function.
Pfeiffer syndrome (ACS5). Also called: ACS V. Identifiers: Orphanet 710, MedGen C0220658, MONDO:0007043, OMIM 101600.

Submission:

Labcorp Genetics (formerly Invitae), Labcorp
Classification: Uncertain significance for Pfeiffer syndrome; Hypogonadotropic hypogonadism 2 with or without anosmia. Last evaluated: 2024-06-04. Review status: criteria provided, single submitter. Criteria: Invitae Variant Classification Sherloc (09022015). Collection method: clinical testing. Allele origin: germline.
Comment: This sequence change replaces glycine, which is neutral and non-polar, with valine, which is neutral and non-polar, at codon 703 of the FGFR1 protein (p.Gly703Val). This variant is not present in population databases (gnomAD no frequency). This variant has not been reported in the literature in individuals affected with FGFR1-related conditions. Advanced modeling of protein sequence and biophysical properties (such as structural, functional, and spatial information, amino acid conservation, physicochemical variation, residue mobility, and thermodynamic stability) performed at Invitae indicates that this missense variant is expected to disrupt FGFR1 protein function with a positive predictive value of 95%. This variant disrupts the p.Gly703 amino acid residue in FGFR1. Other variant(s) that disrupt this residue have been observed in individuals with FGFR1-related conditions (PMID: 16764984, 23643382), which suggests that this may be a clinically significant amino acid residue. In summary, the available evidence is currently insufficient to determine the role of this variant in disease. Therefore, it has been classified as a Variant of Uncertain Significance.

Literature cited by the submitters: PubMed 16764984; PubMed 23643382.

NM_023110.3(FGFR1):c.2108G>T (p.Gly703Val)

Gene: FGFR1 (fibroblast growth factor receptor 1; minus strand). Cytogenetic location: 8p11.23.
Variant type: single nucleotide variant.
Coding change: c.2108G>T on transcript NM_023110.3 (MANE Select); coding-DNA position 2108, G replaced by T.
Protein change: p.Gly703Val; replaces glycine 703 with valine.
Molecular consequence: missense variant.
Genome position (GRCh38, 1-based): chr8:38,414,230, C>A on the plus strand (G>T on the coding strand, the complement: FGFR1 is on the minus strand). VCF-style: chr8-38414230-C-A. GRCh37 (hg19) VCF-style: chr8-38271748-C-A.
Other names: c.2102G>T, p.Gly701Val (NM_001174063.2, NM_001174065.2, NM_001354367.2 and 1 more transcripts); c.2078G>T, p.Gly693Val (NM_001174064.2); c.1841G>T, p.Gly614Val (NM_001174066.2, NM_023105.3); c.2201G>T, p.Gly734Val (NM_001174067.2); c.1829G>T, p.Gly610Val (NM_001354368.2); c.2096G>T, p.Gly699Val (NM_001354369.2, NM_001410922.1); c.1835G>T, p.Gly612Val (NM_001354370.2, NM_023106.3); short protein forms G610V, G612V, G614V, G693V, G699V, G701V, G703V, G734V.
Identifiers: ClinVar variation 3756187 (VCV003756187.2).